The following is an entry in ClinVar:

ClinVar aggregate classification (germline): Pathogenic. Review status: criteria provided, single submitter (1 of 4 stars). 3 submissions from 3 submitters: Pathogenic (1). 2 of the submissions do not count toward it. Last evaluated 2024-02-08.

Conditions:
PAH-related disorder. Also called: PAH-related condition.
Phenylketonuria (PKU). Also called: Phenylketonuria (PKU); FOLLING DISEASE; OLIGOPHRENIA PHENYLPYRUVICA; Phenylketonurias. Identifiers: Orphanet 716, MedGen C0031485, MONDO:0009861, OMIM 261600. Disease mechanism: loss of function.

Allele frequency attached by ClinVar (database versions not stated): gnomAD exomes below 0.00001.

Submissions (3):

Labcorp Genetics (formerly Invitae), Labcorp
Classification: Pathogenic for Phenylketonuria. Last evaluated: 2024-02-08. Review status: criteria provided, single submitter. Criteria: Invitae Variant Classification Sherloc (09022015). Collection method: clinical testing. Allele origin: germline.
Comment: This sequence change replaces histidine, which is basic and polar, with arginine, which is basic and polar, at codon 201 of the PAH protein (p.His201Arg). This variant is not present in population databases (gnomAD no frequency). This missense change has been observed in individual(s) with hyperphenylalaninemia (PMID: 28982351, 32668217; Invitae; BIOPKU). ClinVar contains an entry for this variant (Variation ID: 102753). Advanced modeling of protein sequence and biophysical properties (such as structural, functional, and spatial information, amino acid conservation, physicochemical variation, residue mobility, and thermodynamic stability) performed at Invitae indicates that this missense variant is not expected to disrupt PAH protein function with a negative predictive value of 80%. This variant disrupts the p.His201 amino acid residue in PAH. Other variant(s) that disrupt this residue have been observed in individuals with PAH-related conditions (PMID: 9521426, 20920871, 28982351), which suggests that this may be a clinically significant amino acid residue. For these reasons, this variant has been classified as Pathogenic.

PreventionGenetics, part of Exact Sciences
Classification: Likely pathogenic for PAH-related condition. Last evaluated: 2024-02-08. Review status: no assertion criteria provided. Collection method: clinical testing. Allele origin: germline. Not counted in ClinVar's aggregate classification.
Comment: The PAH c.602A>G variant is predicted to result in the amino acid substitution p.His201Arg. This variant has been reported in an individual with phenylketonuria (Table 1, Tyfield et al. 1997. PubMed ID: 9012412) and with a second known pathogenic PAH variant in an individual with phenylalanine hydroxylase deficiency (Table S3, Hillert A et al 2020. PubMed ID: 32668217). Different substitutions impacting the same amino acid (p.His201Gln, p.His201Tyr) have been reported with a second PAH variant in multiple individuals with phenylalanine hydroxylase deficiency (Table S3, Hillert A et al 2020. PubMed ID: 32668217). The c.602A>G (p.His201Arg) variant has not been reported in a large population database, indicating this variant is rare. Based on the collective evidence, this variant is interpreted as likely pathogenic.

DeBelle Laboratory for Biochemical Genetics, MUHC/MCH RESEARCH INSTITUTE
No classification provided. Review status: no classification provided. Collection method: not provided. Allele origin: not provided. Not counted in ClinVar's aggregate classification.

Literature cited by the submitters: PubMed 28982351 (cited by Labcorp Genetics (formerly Invitae), Labcorp); PubMed 32668217 (cited by Labcorp Genetics (formerly Invitae), Labcorp); PubMed 9521426 (cited by Labcorp Genetics (formerly Invitae), Labcorp); PubMed 20920871 (cited by Labcorp Genetics (formerly Invitae), Labcorp).

NM_000277.3(PAH):c.602A>G (p.His201Arg)

Gene: PAH (phenylalanine hydroxylase; minus strand). Cytogenetic location: 12q23.2.
Variant type: single nucleotide variant.
Coding change: c.602A>G on transcript NM_000277.3 (MANE Select); coding-DNA position 602, A replaced by G.
Protein change: p.His201Arg; replaces histidine 201 with arginine.
Molecular consequence: missense variant.
Genome position (GRCh38, 1-based): chr12:102,855,240, T>C on the plus strand (A>G on the coding strand, the complement: PAH is on the minus strand). VCF-style: chr12-102855240-T-C. GRCh37 (hg19) VCF-style: chr12-103249018-T-C.
Other names: c.602A>G, p.His201Arg (NM_001354304.2); short protein forms H201R.
Identifiers: ClinVar variation 102753 (VCV000102753.9), dbSNP rs62517180, ClinGen allele CA229644.